The following is an entry in ClinVar:

NM_000535.7(PMS2):c.23+32dup

Gene: PMS2 (PMS1 homolog 2, mismatch repair system component; minus strand). Cytogenetic location: 7p22.1.
Variant type: Duplication.
Coding change: c.23+32dup on transcript NM_000535.7 (MANE Select); 32 bases into the intron after coding-DNA position 23, one base duplicated (C; older notation c.23+32dupC).
Molecular consequence: intron variant. On other transcripts: 5 prime UTR variant (8).
Genome position (GRCh38, 1-based): chr7:6,008,965, G duplicated on the plus strand (C on the coding strand, the reverse complement: PMS2 is on the minus strand); the first of 4 consecutive G bases (chr7:6,008,965-6,008,968); duplicating any one gives the same sequence. VCF-style (leftmost placement, unchanged base first): chr7-6008964-A-AG. GRCh37 (hg19) VCF-style: chr7-6048595-A-AG.
Other names: c.-541dup (NM_001322005.2); c.-536dup (NM_001322009.2, NM_001406897.1); c.-620dup (NM_001406875.1, NM_001406882.1); c.-787dup (NM_001406877.1); c.-488dup (NM_001406894.1); c.-523dup (NM_001406898.1); c.-53+32dup (NM_001322008.2); c.-219+32dup (NM_001406881.1); and 19 more.
Identifiers: ClinVar variation 3049957 (VCV003049957.2), dbSNP rs1439060246, ClinGen allele CA572549986.

ClinVar aggregate classification (germline): Likely benign (0 of 4 stars; one submission).

Conditions:
PMS2-related disorder. Also called: PMS2-related condition.

Submission:

PreventionGenetics, part of Exact Sciences
Classification: Likely benign for PMS2-related condition. Last evaluated: 2019-07-09. Review status: no assertion criteria provided. Collection method: clinical testing. Allele origin: germline.
Comment: This variant is classified as likely benign based on ACMG/AMP sequence variant interpretation guidelines (Richards et al. 2015 PMID: 25741868, with internal and published modifications).